The following is an entry in ClinVar:

NM_000548.5(TSC2):c.2356-3C>T

Gene: TSC2 (TSC complex subunit 2; plus strand). Cytogenetic location: 16p13.3.
Variant type: single nucleotide variant.
Coding change: c.2356-3C>T on transcript NM_000548.5 (MANE Select); 3 bases into the intron before coding-DNA position 2356, C replaced by T.
Molecular consequence: intron variant.
Genome position (GRCh38, 1-based): chr16:2,074,197, C>T. VCF-style: chr16-2074197-C-T. GRCh37 (hg19) VCF-style: chr16-2124198-C-T.
Other names: c.2356-3C>T (NM_001114382.3, NM_021055.3, NM_001370405.1 and 3 more transcripts); c.2245-3C>T (NM_001318827.2); c.1756-3C>T (NM_001318831.2); c.2209-3C>T (NM_001318829.2); c.2389-3C>T (NM_001318832.2).
Identifiers: ClinVar variation 664599 (VCV000664599.9), dbSNP rs1310938905, ClinGen allele CA620706061.

ClinVar aggregate classification (germline): Uncertain significance. Review status: criteria provided, multiple submitters, no conflicts (2 of 4 stars). 2 submissions from 2 submitters: Uncertain significance (2). Last evaluated 2025-07-23.

Conditions:
Hereditary cancer-predisposing syndrome. Also called: Neoplastic Syndromes, Hereditary; Hereditary neoplastic syndrome; Tumor predisposition; Hereditary Cancer Syndrome. Identifiers: Orphanet 140162, MedGen C0027672, MeSH D009386, MONDO:0015356.
Tuberous sclerosis 2 (TSC2). Identifiers: Orphanet 805, MedGen C1860707, MONDO:0013199, OMIM 613254.

Allele frequency attached by ClinVar (database versions not stated): gnomAD exomes 0.00001.
gnomAD v4.1: 3 of 1,610,894 alleles (0.00019%); highest among the groups gnomAD compares: South Asian, 0.0033%; no homozygotes.

Submissions (2):

Labcorp Genetics (formerly Invitae), Labcorp
Classification: Uncertain significance for Tuberous sclerosis 2. Last evaluated: 2025-07-23. Review status: criteria provided, single submitter. Criteria: Invitae Variant Classification Sherloc (09022015). Collection method: clinical testing. Allele origin: germline.
Comment: This sequence change falls in intron 21 of the TSC2 gene. It does not directly change the encoded amino acid sequence of the TSC2 protein. It affects a nucleotide within the consensus splice site. This variant is present in population databases (no rsID available, gnomAD 0.003%). This variant has been observed in individual(s) with tuberous sclerosis (PMID: 32647919). ClinVar contains an entry for this variant (Variation ID: 664599). Variants that disrupt the consensus splice site are a relatively common cause of aberrant splicing (PMID: 17576681, 9536098). Algorithms developed to predict the effect of sequence changes on RNA splicing suggest that this variant is not likely to affect RNA splicing. In summary, the available evidence is currently insufficient to determine the role of this variant in disease. Therefore, it has been classified as a Variant of Uncertain Significance.

Ambry Genetics
Classification: Uncertain significance for Hereditary cancer-predisposing syndrome. Last evaluated: 2024-07-10. Review status: criteria provided, single submitter. Criteria: Ambry Variant Classification Scheme 2023. Collection method: clinical testing. Allele origin: germline.
Comment: The c.2356-3C>T intronic variant results from a C to T substitution 3 nucleotides upstream from coding exon 21 in the TSC2 gene. This variant was reported in an individual who met clinical criteria for Tuberous sclerosis complex (He L et al. Childs Nerv Syst, 2020 Sep;36:1827-1830). This nucleotide position is not well conserved in available vertebrate species. In silico splice site analysis predicts that this alteration will not have any significant effect on splicing. Based on the available evidence, the clinical significance of this variant remains unclear.

Literature cited by the submitters: PubMed 32647919 (cited by Labcorp Genetics (formerly Invitae), Labcorp and Ambry Genetics); PubMed 17576681 (cited by Labcorp Genetics (formerly Invitae), Labcorp); PubMed 9536098 (cited by Labcorp Genetics (formerly Invitae), Labcorp).